The following is an entry in ClinVar:

ClinVar aggregate classification (germline): Uncertain significance (1 of 4 stars; one submission).

Allele frequency attached by ClinVar (database versions not stated): TOPMed below 0.00001.

Submission:

GeneDx
Classification: Uncertain significance. Last evaluated: 2023-12-07. Review status: criteria provided, single submitter. Criteria: GeneDx Variant Classification Process June 2021. Collection method: clinical testing. Allele origin: germline. Affected: yes.
Comment: Not observed at significant frequency in large population cohorts (gnomAD); In silico analysis supports that this missense variant does not alter protein structure/function; Has not been previously published as pathogenic or benign to our knowledge

NM_001379286.1(ZNF423):c.1125G>A (p.Met375Ile)

Gene: ZNF423 (zinc finger protein 423; minus strand). Cytogenetic location: 16q12.1.
Variant type: single nucleotide variant.
Coding change: c.1125G>A on transcript NM_001379286.1 (MANE Select); coding-DNA position 1125, G replaced by A.
Protein change: p.Met375Ile; replaces methionine 375 with isoleucine.
Molecular consequence: missense variant.
Genome position (GRCh38, 1-based): chr16:49,638,051, C>T on the plus strand (G>A on the coding strand, the complement: ZNF423 is on the minus strand). VCF-style: chr16-49638051-C-T. GRCh37 (hg19) VCF-style: chr16-49671962-C-T.
Other names: c.921G>A, p.Met307Ile (NM_001271620.2); c.750G>A, p.Met250Ile (NM_001330533.2); c.1101G>A, p.Met367Ile (NM_015069.5); short protein forms M250I, M307I, M367I, M375I.
Identifiers: ClinVar variation 3253087 (VCV003253087.1), dbSNP rs1266858189.